The following is an entry in ClinVar:

NM_001904.4(CTNNB1):c.489G>C (p.Glu163Asp)

Genes: CTNNB1 (catenin beta 1; plus strand), LOC126806658 (BRD4-independent group 4 enhancer GRCh37_chr3:41265899-41267098; plus strand). Cytogenetic location: 3p22.1.
Variant type: single nucleotide variant.
Coding change: c.489G>C on transcript NM_001904.4 (MANE Select); coding-DNA position 489, G replaced by C.
Protein change: p.Glu163Asp; replaces glutamic acid 163 with aspartic acid.
Molecular consequence: missense variant.
Genome position (GRCh38, 1-based): chr3:41,225,201, G>C. VCF-style: chr3-41225201-G-C. GRCh37 (hg19) VCF-style: chr3-41266692-G-C.
Other names: c.489G>C, p.Glu163Asp (NM_001098209.2, NM_001098210.2); c.468G>C, p.Glu156Asp (NM_001330729.2); short protein forms E156D, E163D.
Identifiers: ClinVar variation 3381724 (VCV003381724.2).

ClinVar aggregate classification (germline): Uncertain significance (1 of 4 stars; one submission).

Submission:

GeneDx
Classification: Uncertain significance. Last evaluated: 2025-12-29. Review status: criteria provided, single submitter. Criteria: GeneDx Variant Classification Process June 2021. Collection method: clinical testing. Allele origin: germline.
Comment: Not observed at significant frequency in large population cohorts (gnomAD); In silico analysis suggests that this missense variant does not alter protein structure/function; Has not been previously published as pathogenic or benign to our knowledge